The following is an entry in ClinVar:

NM_000193.4(SHH):c.137A>T (p.Gln46Leu)

Gene: SHH (sonic hedgehog signaling molecule; minus strand). Cytogenetic location: 7q36.3.
Variant type: single nucleotide variant.
Coding change: c.137A>T on transcript NM_000193.4 (MANE Select); coding-DNA position 137, A replaced by T.
Protein change: p.Gln46Leu; replaces glutamine 46 with leucine.
Molecular consequence: missense variant.
Genome position (GRCh38, 1-based): chr7:155,811,986, T>A on the plus strand (A>T on the coding strand, the complement: SHH is on the minus strand). VCF-style: chr7-155811986-T-A. GRCh37 (hg19) VCF-style: chr7-155604680-T-A.
Other names: c.137A>T (NM_000193.2); short protein forms Q46L.
Identifiers: ClinVar variation 1433964 (VCV001433964.6), dbSNP rs2117151273, ClinGen allele CA370152001.

ClinVar aggregate classification (germline): Uncertain significance. Review status: criteria provided, multiple submitters, no conflicts (2 of 4 stars). 2 submissions from 2 submitters: Uncertain significance (2). Last evaluated 2023-03-06.

Conditions:
Holoprosencephaly 3 (HPE3). Identifiers: Orphanet 2162, MedGen C1840529, MONDO:0007733, OMIM 142945.

Allele frequency attached by ClinVar (database versions not stated): gnomAD exomes below 0.00001.

Submissions (2):

GeneDx
Classification: Uncertain significance. Last evaluated: 2023-03-06. Review status: criteria provided, single submitter. Criteria: GeneDx Variant Classification Process June 2021. Collection method: clinical testing. Allele origin: germline. Affected: yes.
Comment: Not observed at significant frequency in large population cohorts (gnomAD); In silico analysis supports that this missense variant has a deleterious effect on protein structure/function; Has not been previously published as pathogenic or benign to our knowledge

Labcorp Genetics (formerly Invitae), Labcorp
Classification: Uncertain significance for Holoprosencephaly 3. Last evaluated: 2022-10-17. Review status: criteria provided, single submitter. Criteria: Invitae Variant Classification Sherloc (09022015). Collection method: clinical testing. Allele origin: germline.
Comment: In summary, the available evidence is currently insufficient to determine the role of this variant in disease. Therefore, it has been classified as a Variant of Uncertain Significance. Advanced modeling of protein sequence and biophysical properties (such as structural, functional, and spatial information, amino acid conservation, physicochemical variation, residue mobility, and thermodynamic stability) performed at Invitae indicates that this missense variant is expected to disrupt SHH protein function. ClinVar contains an entry for this variant (Variation ID: 1433964). This variant has not been reported in the literature in individuals affected with SHH-related conditions. This variant is not present in population databases (gnomAD no frequency). This sequence change replaces glutamine, which is neutral and polar, with leucine, which is neutral and non-polar, at codon 46 of the SHH protein (p.Gln46Leu).